The following is an entry in ClinVar:

ClinVar aggregate classification (germline): Uncertain significance (1 of 4 stars; one submission).

Submission:

Women's Health and Genetics/Laboratory Corporation of America, LabCorp
Classification: Uncertain significance. Last evaluated: 2021-01-08. Review status: criteria provided, single submitter. Criteria: LabCorp Variant Classification Summary - May 2015. Collection method: clinical testing. Allele origin: germline.
Comment: Variant summary: PAX3 c.215T>C (p.Ile72Thr) results in a non-conservative amino acid change located in the Paired domain (IPR001523) of the encoded protein sequence. Five of five in-silico tools predict a damaging effect of the variant on protein function. The variant was absent in 249746 control chromosomes (gnomAD). The available data on variant occurrences in the general population are insufficient to allow any conclusion about variant significance. To our knowledge, no occurrence of c.215T>C in individuals affected with Waardenburg Syndrome Type 1 and no experimental evidence demonstrating its impact on protein function have been reported. Missense variants in nearby residues (e.g. I67T, R68G, S73L, R74C/G, V78M) have been reported in association with Waardenburg syndrome (and related phenotypes), supporting the functional importance of this region of the protein (HGMD). No clinical diagnostic laboratories have submitted clinical-significance assessments for this variant to ClinVar after 2014. Based on the evidence outlined above, the variant was classified as uncertain significance.

NM_181458.4(PAX3):c.215T>C (p.Ile72Thr)

Gene: PAX3 (paired box 3; minus strand). Cytogenetic location: 2q36.1.
Variant type: single nucleotide variant.
Coding change: c.215T>C on transcript NM_181458.4 (MANE Select); coding-DNA position 215, T replaced by C.
Protein change: p.Ile72Thr; replaces isoleucine 72 with threonine.
Molecular consequence: missense variant.
Genome position (GRCh38, 1-based): chr2:222,297,084, A>G on the plus strand (T>C on the coding strand, the complement: PAX3 is on the minus strand). VCF-style: chr2-222297084-A-G. GRCh37 (hg19) VCF-style: chr2-223161803-A-G.
Other names: c.215T>C, p.Ile72Thr (NM_000438.6, NM_001127366.3, NM_013942.5 and 4 more transcripts); short protein forms I72T.
Identifiers: ClinVar variation 996260 (VCV000996260.1), dbSNP rs1695340242, ClinGen allele CA351113570.